The following is an entry in ClinVar:

NM_004656.4(BAP1):c.721dup (p.Tyr241fs)

Gene: BAP1 (BRCA1 associated deubiquitinase 1; minus strand). Cytogenetic location: 3p21.1.
Variant type: Duplication.
Coding change: c.721dup on transcript NM_004656.4 (MANE Select); coding-DNA position 721, one base duplicated (T; older notation c.721dupT).
Protein change: p.Tyr241fs; shifts the reading frame from tyrosine 241.
Molecular consequence: frameshift variant.
Genome position (GRCh38, 1-based): chr3:52,406,315, A duplicated on the plus strand (T on the coding strand, the reverse complement: BAP1 is on the minus strand). VCF-style (leftmost placement, unchanged base first): chr3-52406314-T-TA. GRCh37 (hg19) VCF-style: chr3-52440330-T-TA.
Other names: c.721dupT (NM_004656.2); short protein forms Y241fs.
Identifiers: ClinVar variation 1073906 (VCV001073906.6), dbSNP rs2153227460, ClinGen allele CA2499216946.

ClinVar aggregate classification (germline): Pathogenic. Review status: criteria provided, multiple submitters, no conflicts (2 of 4 stars). 2 submissions from 2 submitters: Pathogenic (2). Last evaluated 2026-03-26.

Conditions:
Hereditary cancer-predisposing syndrome. Also called: Hereditary neoplastic syndrome; Neoplastic Syndromes, Hereditary; Tumor predisposition; Hereditary Cancer Syndrome. Identifiers: Orphanet 140162, MedGen C0027672, MeSH D009386, MONDO:0015356.
BAP1-related tumor predisposition syndrome (TPDS1). Also called: Tumor susceptibility linked to germline BAP1 mutations; COMMON Syndrome; TUMOR PREDISPOSITION SYNDROME 1; BAP1 tumor predisposition syndrome. Identifiers: Orphanet 289539, MedGen C3280492, MONDO:0013692, OMIM 614327.

Submissions (2):

Ambry Genetics
Classification: Pathogenic for Hereditary cancer-predisposing syndrome. Last evaluated: 2026-03-26. Review status: criteria provided, single submitter. Criteria: Ambry Variant Classification Scheme 2023. Collection method: clinical testing. Allele origin: germline.
Comment: The c.721dupT pathogenic mutation, located in coding exon 9 of the BAP1 gene, results from a duplication of T at nucleotide position 721, causing a translational frameshift with a predicted alternate stop codon (p.Y241Lfs*2). This variant was reported in individual(s) with features consistent with BAP1-related tumor predisposition syndrome (Ambry internal data). This variant is considered to be rare based on population cohorts in the Genome Aggregation Database (gnomAD). This alteration is expected to result in loss of function by premature protein truncation or nonsense-mediated mRNA decay. As such, this alteration is interpreted as a disease-causing mutation.

Labcorp Genetics (formerly Invitae), Labcorp
Classification: Pathogenic for BAP1-related tumor predisposition syndrome. Last evaluated: 2020-02-05. Review status: criteria provided, single submitter. Criteria: Invitae Variant Classification Sherloc (09022015). Collection method: clinical testing. Allele origin: germline.
Comment: For these reasons, this variant has been classified as Pathogenic. Loss-of-function variants in BAP1 are known to be pathogenic (PMID: 21874000, 23684012). This variant has not been reported in the literature in individuals with BAP1-related conditions. This variant is not present in population databases (ExAC no frequency). This sequence change creates a premature translational stop signal (p.Tyr241Leufs*2) in the BAP1 gene. It is expected to result in an absent or disrupted protein product.

Literature cited by the submitters: PubMed 21874000 (cited by Labcorp Genetics (formerly Invitae), Labcorp); PubMed 23684012 (cited by Labcorp Genetics (formerly Invitae), Labcorp).